The following is an entry in ClinVar:

ClinVar aggregate classification (germline): Uncertain significance. Review status: criteria provided, multiple submitters, no conflicts (2 of 4 stars). 2 submissions from 2 submitters: Uncertain significance (2). Last evaluated 2024-02-17.

Conditions:
Bronchiectasis with or without elevated sweat chloride 3 (BESC3). Identifiers: Orphanet 60033, MedGen C2751324, MONDO:0013112, OMIM 613071.
Pseudohypoaldosteronism, type IB3, autosomal recessive (PHA1B3). Identifiers: MedGen C5774256, MONDO:0859318, OMIM 620126.
Liddle syndrome 2. Identifiers: MedGen C4748251, MONDO:0020854, OMIM 618114.

Allele frequency attached by ClinVar (database versions not stated): ExAC 0.00001; gnomAD 0.00001; TOPMed 0.00003.
gnomAD v4.1: 29 of 1,609,902 alleles (0.0018%); highest among the groups gnomAD compares: Admixed American, 0.02%; no homozygotes.

Submissions (2):

Labcorp Genetics (formerly Invitae), Labcorp
Classification: Uncertain significance. Last evaluated: 2024-02-17. Review status: criteria provided, single submitter. Criteria: Invitae Variant Classification Sherloc (09022015). Collection method: clinical testing. Allele origin: germline.
Comment: This sequence change replaces glycine, which is neutral and non-polar, with alanine, which is neutral and non-polar, at codon 300 of the SCNN1G protein (p.Gly300Ala). This variant is present in population databases (rs771938926, gnomAD 0.02%). This variant has not been reported in the literature in individuals affected with SCNN1G-related conditions. Advanced modeling of protein sequence and biophysical properties (such as structural, functional, and spatial information, amino acid conservation, physicochemical variation, residue mobility, and thermodynamic stability) performed at Invitae indicates that this missense variant is not expected to disrupt SCNN1G protein function with a negative predictive value of 80%. In summary, the available evidence is currently insufficient to determine the role of this variant in disease. Therefore, it has been classified as a Variant of Uncertain Significance.

Fulgent Genetics
Classification: Uncertain significance for Bronchiectasis with or without elevated sweat chloride 3; Liddle syndrome 2; Pseudohypoaldosteronism, type IB3, autosomal recessive. Last evaluated: 2024-01-20. Review status: criteria provided, single submitter. Criteria: ACMG Guidelines, 2015. Collection method: clinical testing. Allele origin: germline.

NM_001039.4(SCNN1G):c.899G>C (p.Gly300Ala)

Gene: SCNN1G (sodium channel epithelial 1 subunit gamma; plus strand). Cytogenetic location: 16p12.2.
Variant type: single nucleotide variant.
Coding change: c.899G>C on transcript NM_001039.4 (MANE Select); coding-DNA position 899, G replaced by C.
Protein change: p.Gly300Ala; replaces glycine 300 with alanine.
Molecular consequence: missense variant.
Genome position (GRCh38, 1-based): chr16:23,194,260, G>C. VCF-style: chr16-23194260-G-C. GRCh37 (hg19) VCF-style: chr16-23205581-G-C.
Other names: short protein forms G300A.
Identifiers: ClinVar variation 2895778 (VCV002895778.4), dbSNP rs771938926, ClinGen allele CA7959695.